The following is an entry in ClinVar:

NM_013276.4(SHPK):c.1157_1161del (p.Thr386fs)

Gene: SHPK (sedoheptulokinase; minus strand). Cytogenetic location: 17p13.2.
Variant type: Deletion.
Coding change: c.1157_1161del on transcript NM_013276.4 (MANE Select); coding-DNA positions 1157 to 1161, 5 bases deleted (CCAGA; older notation c.1157_1161delCCAGA).
Protein change: p.Thr386fs; shifts the reading frame from threonine 386.
Molecular consequence: frameshift variant.
Genome position (GRCh38, 1-based): chr17:3,610,836-3,610,840, TCTGG deleted on the plus strand (CCAGA on the coding strand, the reverse complement: SHPK is on the minus strand); deleting any 5 consecutive bases within chr17:3,610,836-3,610,842 gives the same sequence; the c. name uses the placement nearest the transcript's 3' end. VCF-style (leftmost placement, unchanged base first): chr17-3610835-TTCTGG-T. GRCh37 (hg19) VCF-style: chr17-3514129-TTCTGG-T.
Other names: short protein forms T386fs.
Identifiers: ClinVar variation 1423278 (VCV001423278.6), dbSNP rs747237525, ClinGen allele CA8291088.

ClinVar aggregate classification (germline): Uncertain significance (1 of 4 stars; one submission).

Submission:

Labcorp Genetics (formerly Invitae), Labcorp
Classification: Uncertain significance. Last evaluated: 2025-10-22. Review status: criteria provided, single submitter. Criteria: Invitae Variant Classification Sherloc (09022015). Collection method: clinical testing. Allele origin: germline.
Comment: This sequence change creates a premature translational stop signal (p.Thr386Asnfs*51) in the SHPK gene. While this is not anticipated to result in nonsense mediated decay, it is expected to disrupt the last 93 amino acid(s) of the SHPK protein. This variant is present in population databases (rs747237525, gnomAD 0.004%). This variant has not been reported in the literature in individuals affected with SHPK-related conditions. ClinVar contains an entry for this variant (Variation ID: 1423278). Experimental studies and prediction algorithms are not available or were not evaluated, and the functional significance of this variant is currently unknown. In summary, the available evidence is currently insufficient to determine the role of this variant in disease. Therefore, it has been classified as a Variant of Uncertain Significance.